The following is an entry in ClinVar:

ClinVar aggregate classification (germline): Uncertain significance. Review status: criteria provided, multiple submitters, no conflicts (2 of 4 stars). 2 submissions from 2 submitters: Uncertain significance (2). Last evaluated 2025-01-19.

Conditions:
Hereditary pancreatitis (PCTT). Also called: Hereditary chronic pancreatitis; PRSS1-Related Hereditary Pancreatitis. Identifiers: Orphanet 676, MedGen C0238339, MONDO:0008185, OMIM 167800.

Allele frequency attached by ClinVar (database versions not stated): ExAC 0.00001; gnomAD 0.00001; gnomAD exomes 0.00001; TOPMed 0.00003.
gnomAD v4.1: 14 of 1,613,922 alleles (0.00087%); highest among the groups gnomAD compares: East Asian, 0.031%; no homozygotes.

Submissions (2):

Ambry Genetics
Classification: Uncertain significance for Hereditary pancreatitis. Last evaluated: 2025-01-19. Review status: criteria provided, single submitter. Criteria: Ambry Variant Classification Scheme 2023. Collection method: clinical testing. Allele origin: germline.
Comment: The p.K102E variant (also known as c.304A>G), located in coding exon 3 of the PRSS1 gene, results from an A to G substitution at nucleotide position 304. The lysine at codon 102 is replaced by glutamic acid, an amino acid with similar properties. This amino acid position is poorly conserved in available vertebrate species, and glutamic acid is the reference amino acid in other vertebrate species. In addition, this alteration is predicted to be tolerated by in silico analysis. Since supporting evidence is limited at this time, the clinical significance of this alteration remains unclear.

Labcorp Genetics (formerly Invitae), Labcorp
Classification: Uncertain significance for Hereditary pancreatitis. Last evaluated: 2019-03-26. Review status: criteria provided, single submitter. Criteria: Invitae Variant Classification Sherloc (09022015). Collection method: clinical testing. Allele origin: germline.
Comment: In summary, the available evidence is currently insufficient to determine the role of this variant in disease. Therefore, it has been classified as a Variant of Uncertain Significance. Algorithms developed to predict the effect of missense changes on protein structure and function output the following: SIFT: "Tolerated"; PolyPhen-2: "Benign"; Align-GVGD: "Class C0". The glutamic acid amino acid residue is found in multiple mammalian species, suggesting that this missense change does not adversely affect protein function. These predictions have not been confirmed by published functional studies and their clinical significance is uncertain. This variant has not been reported in the literature in individuals with PRSS1-related disease. This variant is present in population databases (rs754618801, ExAC 0.01%). This sequence change replaces lysine with glutamic acid at codon 102 of the PRSS1 protein (p.Lys102Glu). The lysine residue is weakly conserved and there is a small physicochemical difference between lysine and glutamic acid.

NM_002769.5(PRSS1):c.304A>G (p.Lys102Glu)

Genes: PRSS1 (serine protease 1; plus strand), TRB (T cell receptor beta locus; plus strand). Cytogenetic location: 7q34.
Variant type: single nucleotide variant.
Coding change: c.304A>G on transcript NM_002769.5 (MANE Select); coding-DNA position 304, A replaced by G.
Protein change: p.Lys102Glu; replaces lysine 102 with glutamic acid.
Molecular consequence: missense variant.
Genome position (GRCh38, 1-based): chr7:142,751,877, A>G. VCF-style: chr7-142751877-A-G. GRCh37 (hg19) VCF-style: chr7-142459728-A-G.
Other names: short protein forms K102E.
Identifiers: ClinVar variation 572137 (VCV000572137.17), dbSNP rs754618801, ClinGen allele CA4529919.
Genomic context (GRCh38, chr7:142,751,877, plus strand): 5'-GAGGGGAATGAGCAGTTCATCAATGCAGCCAAGATCATCCGCCACCCCCAATACGACAGG[A>G]AGACTCTGAACAATGACATCATGTTAATCAAGCTCTCCTCACGTGCAGTAATCAACGCCC-3'
Protein context (NP_002760.1, residues 92-112): KIIRHPQYDR[Lys102Glu]TLNNDIMLIK